The following is an entry in ClinVar:

NM_181503.3(EXOSC8):c.193-15T>C

Gene: EXOSC8 (exosome component 8; plus strand). Cytogenetic location: 13q13.3.
Variant type: single nucleotide variant.
Coding change: c.193-15T>C on transcript NM_181503.3 (MANE Select); 15 bases into the intron before coding-DNA position 193, T replaced by C.
Molecular consequence: intron variant.
Genome position (GRCh38, 1-based): chr13:37,004,501, T>C. VCF-style: chr13-37004501-T-C. GRCh37 (hg19) VCF-style: chr13-37578638-T-C.
Identifiers: ClinVar variation 1926056 (VCV001926056.5), dbSNP rs1425317103, ClinGen allele CA609049617.

ClinVar aggregate classification (germline): Uncertain significance (1 of 4 stars; one submission).

gnomAD v4.1: 1 of 1,592,120 alleles (0.000063%); highest among the groups gnomAD compares: Admixed American, 0.0017%; no homozygotes.

Submission:

Labcorp Genetics (formerly Invitae), Labcorp
Classification: Uncertain significance. Last evaluated: 2022-07-06. Review status: criteria provided, single submitter. Criteria: Invitae Variant Classification Sherloc (09022015). Collection method: clinical testing. Allele origin: germline.
Comment: In summary, the available evidence is currently insufficient to determine the role of this variant in disease. Therefore, it has been classified as a Variant of Uncertain Significance. Algorithms developed to predict the effect of sequence changes on RNA splicing suggest that this variant may create or strengthen a splice site. This variant has not been reported in the literature in individuals affected with EXOSC8-related conditions. This variant is present in population databases (no rsID available, gnomAD 0.003%). This sequence change falls in intron 4 of the EXOSC8 gene. It does not directly change the encoded amino acid sequence of the EXOSC8 protein.